The following is an entry in ClinVar:

ClinVar aggregate classification (germline): Likely benign (1 of 4 stars; one submission).

Allele frequency attached by ClinVar (database versions not stated): TOPMed 0.00001; ExAC 0.00002; ESP Exome Variant Server 0.00008.
gnomAD v4.1: 23 of 1,613,936 alleles (0.0014%); highest among the groups gnomAD compares: South Asian, 0.0044%; no homozygotes.

Submission:

CeGaT Center for Human Genetics Tuebingen
Classification: Likely benign. Last evaluated: 2023-03-01. Review status: criteria provided, single submitter. Criteria: CeGaT Center For Human Genetics Tuebingen Variant Classification Criteria Version 2. Collection method: clinical testing. Allele origin: germline. Affected: yes. Observed: 1 variant allele.
Comment: IFT122: BP4, BP7

NM_052989.3(IFT122):c.1437C>T (p.Ile479=)

Gene: IFT122 (intraflagellar transport 122; plus strand). Cytogenetic location: 3q21.3.
Variant type: single nucleotide variant.
Coding change: c.1437C>T on transcript NM_052989.3 (MANE Select); coding-DNA position 1437, C replaced by T.
Protein change: p.Ile479=; no amino-acid change (isoleucine 479 retained).
Molecular consequence: synonymous variant.
Genome position (GRCh38, 1-based): chr3:129,479,871, C>T. VCF-style: chr3-129479871-C-T. GRCh37 (hg19) VCF-style: chr3-129198714-C-T.
Other names: c.1413C>T, p.Ile471= (NM_001280541.2); c.987C>T, p.Ile329= (NM_001280545.2); c.810C>T, p.Ile270= (NM_001280546.2); c.1437C>T, p.Ile479= (NM_001410808.1, NM_001410809.1); c.1260C>T, p.Ile420= (NM_001410810.1, NM_001410811.1, NM_001410813.1 and 1 more transcripts); c.1104C>T, p.Ile368= (NM_001410815.1, NM_001410817.1, NM_052990.3); c.1590C>T, p.Ile530= (NM_052985.4).
Identifiers: ClinVar variation 2654125 (VCV002654125.24), dbSNP rs150390285, ClinGen allele CA2606164.